The following is an entry in ClinVar:

ClinVar aggregate classification (germline): Uncertain significance. Review status: criteria provided, multiple submitters, no conflicts (2 of 4 stars). 2 submissions from 2 submitters: Uncertain significance (2). Last evaluated 2024-04-15.

Conditions:
Immunodeficiency 39 (IMD39). Identifiers: Orphanet 574918, MedGen C4225358, MONDO:0014597, OMIM 616345.

Allele frequency attached by ClinVar (database versions not stated): gnomAD exomes below 0.00001; TOPMed below 0.00001.
gnomAD v4.1: 3 of 1,575,640 alleles (0.00019%); highest among the groups gnomAD compares: Non-Finnish European, 0.00017%; no homozygotes.

Submissions (2):

Ambry Genetics
Classification: Uncertain significance. Last evaluated: 2024-04-15. Review status: criteria provided, single submitter. Criteria: Ambry Variant Classification Scheme 2023. Collection method: clinical testing. Allele origin: germline.

Labcorp Genetics (formerly Invitae), Labcorp
Classification: Uncertain significance for Immunodeficiency 39. Last evaluated: 2021-02-18. Review status: criteria provided, single submitter. Criteria: Invitae Variant Classification Sherloc (09022015). Collection method: clinical testing. Allele origin: germline.
Comment: In summary, the available evidence is currently insufficient to determine the role of this variant in disease. Therefore, it has been classified as a Variant of Uncertain Significance. Algorithms developed to predict the effect of missense changes on protein structure and function are either unavailable or do not agree on the potential impact of this missense change (SIFT: "Deleterious"; PolyPhen-2: "Probably Damaging"; Align-GVGD: "Class C0"). This variant has not been reported in the literature in individuals with IRF7-related conditions. This variant is not present in population databases (ExAC no frequency). This sequence change replaces threonine with isoleucine at codon 305 of the IRF7 protein (p.Thr305Ile). The threonine residue is highly conserved and there is a moderate physicochemical difference between threonine and isoleucine.

NM_001572.5(IRF7):c.875C>T (p.Thr292Ile)

Gene: IRF7 (interferon regulatory factor 7; minus strand). Cytogenetic location: 11p15.5.
Variant type: single nucleotide variant.
Coding change: c.875C>T on transcript NM_001572.5 (MANE Select); coding-DNA position 875, C replaced by T.
Protein change: p.Thr292Ile; replaces threonine 292 with isoleucine.
Molecular consequence: missense variant.
Genome position (GRCh38, 1-based): chr11:613,568, G>A on the plus strand (C>T on the coding strand, the complement: IRF7 is on the minus strand). VCF-style: chr11-613568-G-A. GRCh37 (hg19) VCF-style: chr11-613568-G-A.
Other names: c.914C>T (NM_004031.2); c.788C>T, p.Thr263Ile (NM_004029.4); c.914C>T, p.Thr305Ile (NM_004031.4); short protein forms T292I, T263I, T305I.
Identifiers: ClinVar variation 1468344 (VCV001468344.9), dbSNP rs1417388612, ClinGen allele CA378979678.